The following is an entry in ClinVar:

NM_006514.4(SCN10A):c.1867+82G>A

Gene: SCN10A (sodium voltage-gated channel alpha subunit 10; minus strand). Cytogenetic location: 3p22.2.
Variant type: single nucleotide variant.
Coding change: c.1867+82G>A on transcript NM_006514.4 (MANE Select); 82 bases into the intron after coding-DNA position 1867, G replaced by A.
Molecular consequence: intron variant.
Genome position (GRCh38, 1-based): chr3:38,749,991, C>T on the plus strand (G>A on the coding strand, the complement: SCN10A is on the minus strand). VCF-style: chr3-38749991-C-T. GRCh37 (hg19) VCF-style: chr3-38791482-C-T.
Other names: c.1573+82G>A (NM_001293307.2); c.1867+82G>A (NM_001293306.2).
Identifiers: ClinVar variation 674521 (VCV000674521.2), dbSNP rs12494065, ClinGen allele CA11529577.

ClinVar aggregate classification (germline): Benign. Review status: criteria provided, multiple submitters, no conflicts (2 of 4 stars). 2 submissions from 2 submitters: Benign (2). Last evaluated 2018-06-14.

Allele frequency attached by ClinVar (database versions not stated): gnomAD 0.08873 and 0.08965; TOPMed 0.10107; 1000 Genomes Project 30x 0.13616; 1000 Genomes Project 0.13798.

Submissions (2):

GeneDx
Classification: Benign. Last evaluated: 2018-06-14. Review status: criteria provided, single submitter. Criteria: GeneDx Variant Classification (06012015). Collection method: clinical testing. Allele origin: germline. Affected: yes.
Comment: This variant is considered likely benign or benign based on one or more of the following criteria: it is a conservative change, it occurs at a poorly conserved position in the protein, it is predicted to be benign by multiple in silico algorithms, and/or has population frequency not consistent with disease.

Breakthrough Genomics
Classification: Benign. Review status: criteria provided, single submitter. Criteria: ACMG Guidelines, 2015. Collection method: not provided. Allele origin: germline. Inheritance: Autosomal dominant inheritance. Affected: yes.